The following is an entry in ClinVar:

NM_001101.5(ACTB):c.1020G>T (p.Trp340Cys)

Gene: ACTB (actin beta; minus strand). Cytogenetic location: 7p22.1.
Variant type: single nucleotide variant.
Coding change: c.1020G>T on transcript NM_001101.5 (MANE Select); coding-DNA position 1020, G replaced by T.
Protein change: p.Trp340Cys; replaces tryptophan 340 with cysteine.
Molecular consequence: missense variant.
Genome position (GRCh38, 1-based): chr7:5,527,856, C>A on the plus strand (G>T on the coding strand, the complement: ACTB is on the minus strand). VCF-style: chr7-5527856-C-A. GRCh37 (hg19) VCF-style: chr7-5567487-C-A.
Other names: c.1020G>T (LRG_132t1); short protein forms W340C.
Identifiers: ClinVar variation 280619 (VCV000280619.2), dbSNP rs886041790, ClinGen allele CA10602960.
Genomic context (GRCh38, chr7:5,527,856, plus strand): 5'-CTGCTTGCTGATCCACATCTGCTGGAAGGTGGACAGCGAGGCCAGGATGGAGCCGCCGAT[C>A]CACACGGAGTACTTGCGCTCAGGAGGAGCAATGATCTGAGGAGGGAAGGGGACAGGCAGT-3'
Protein context (NP_001092.1, residues 330-350): IAPPERKYSV[Trp340Cys]IGGSILASLS

ClinVar aggregate classification (germline): Pathogenic (1 of 4 stars; one submission).

Submission:

GeneDx
Classification: Pathogenic. Last evaluated: 2018-06-05. Review status: criteria provided, single submitter. Criteria: GeneDx Variant Classification (06012015). Collection method: clinical testing. Allele origin: germline. Affected: yes.
Comment: The W340C variant in the ACTB gene has not been reported previously as a pathogenic variant, nor as a benign variant, to our knowledge. The W340C variant is not observed in large population cohorts (Lek et al., 2016). The W340C variant is a non-conservative amino acid substitution, which is likely to impact secondary protein structure as these residues differ in polarity, charge, size and/or other properties. In-silico analyses, including protein predictors and evolutionary conservation, support a deleterious effect. In addition, the majority of missense variants in ACTB are considered pathogenic (Stenson et al., 2014). We interpret W340C as a pathogenic variant.